The following is an entry in ClinVar:

ClinVar aggregate classification (germline): Pathogenic/Likely pathogenic. Review status: criteria provided, multiple submitters, no conflicts (2 of 4 stars). 5 submissions from 5 submitters: Pathogenic (4); Likely pathogenic (1). Last evaluated 2026-08-12.

Conditions:
PRF1-related disorder. Also called: PRF1-related condition.
Familial hemophagocytic lymphohistiocytosis 2 (FHL2). Also called: PRF1-Related Familial Hemophagocytic Lymphohistiocytosis (PRF1-fHLH). Identifiers: Orphanet 540, MedGen C1863727, MONDO:0011337, OMIM 603553.
Familial hemophagocytic lymphohistiocytosis (FHL). Also called: Familial erythrophagocytic lymphohistiocytosis; Familial histiocytic reticulosis; Hereditary hemophagocytic lymphohistiocytosis. Identifiers: Orphanet 158038, Orphanet 540, MedGen C0272199, MONDO:0015541.
Aplastic anemia. Identifiers: Orphanet 182040, Orphanet 88, MedGen C0002874, MONDO:0015909, OMIM 609135, HP:0001915.

gnomAD v4.1: 15 of 1,613,426 alleles (0.00093%); highest among the groups gnomAD compares: South Asian, 0.0033%; no homozygotes.

Submissions (5):

Myriad Genetics, Inc.
Classification: Likely pathogenic for Familial hemophagocytic lymphohistiocytosis 2. Last evaluated: 2026-08-12. Review status: criteria provided, single submitter. Criteria: Myriad Autosomal Dominant, Autosomal Recessive and X-Linked Classification Criteria (2023). Collection method: clinical testing. Allele origin: unknown.
Comment: NM_001083116.1(PRF1):c.658G>C(G220R) is a missense variant classified as likely pathogenic in the context of familial hemophagocytic lymphohistiocytosis, PRF1-related. G220R has been observed in cases with relevant disease (PMID: 34368327, 25577959, 21931115, 17873118, 33746956). Relevant functional assessments of this variant are not available in the literature. Internal structural analysis of the variant is supportive of pathogenicity. G220R has been observed in referenced population frequency databases. In summary, NM_001083116.1(PRF1):c.658G>C(G220R) is a missense variant that has internal structural support for pathogenicity and has been observed more frequently in cases with the relevant disease than in healthy populations. Please note: this variant was assessed in the context of healthy population screening.

Women's Health and Genetics/Laboratory Corporation of America, LabCorp
Classification: Pathogenic for Familial hemophagocytic lymphohistiocytosis. Last evaluated: 2025-10-20. Review status: criteria provided, single submitter. Criteria: LabCorp Variant Classification Summary - May 2015. Collection method: clinical testing. Allele origin: germline.
Comment: Variant summary: PRF1 c.658G>C (p.Gly220Arg) results in a non-conservative amino acid change in the encoded protein sequence. Algorithms developed to predict the effect of missense changes on protein structure and function all suggest that this variant is likely to be disruptive. The variant allele was found at a frequency of 4e-06 in 249184 control chromosomes. c.658G>C has been observed in individuals affected with Familial Hemophagocytic Lymphohistiocytosis (e.g., Bi_W2021, Meeths_2011, Trizzino_2008). These data indicate that the variant is likely to be associated with disease. Different variants affecting the same codon have been classified as likely pathogenic/pathogenic by our lab (c.659G>A; p.Gly220Asp and c.658G>A; p.Gly220Ser), supporting the critical relevance of codon 220 to PRF1 protein function. The following publications have been ascertained in the context of this evaluation (PMID: 34368327, 21931115, 17873118). ClinVar contains an entry for this variant (Variation ID: 645064). Based on the evidence outlined above, the variant was classified as pathogenic.

Baylor Genetics
Classification: Pathogenic for Aplastic anemia. Last evaluated: 2024-02-04. Review status: criteria provided, single submitter. Criteria: ACMG Guidelines, 2015. Collection method: clinical testing. Allele origin: unknown.

Blueprint Genetics
Classification: Pathogenic for PRF1-related disorders. Last evaluated: 2023-11-23. Review status: criteria provided, single submitter. Criteria: ACMG Guidelines, 2015. Collection method: clinical testing. Allele origin: germline. Affected: yes. Observed: 2 variant alleles.

Labcorp Genetics (formerly Invitae), Labcorp
Classification: Pathogenic for Familial hemophagocytic lymphohistiocytosis 2. Last evaluated: 2021-12-23. Review status: criteria provided, single submitter. Criteria: Invitae Variant Classification Sherloc (09022015). Collection method: clinical testing. Allele origin: germline.
Comment: This sequence change replaces glycine, which is neutral and non-polar, with arginine, which is basic and polar, at codon 220 of the PRF1 protein (p.Gly220Arg). This variant is present in population databases (rs776571416, gnomAD 0.003%). This missense change has been observed in individual(s) with familial hemophagocytic lymphohistiocytosis (PMID: 17873118, 21931115; Invitae). ClinVar contains an entry for this variant (Variation ID: 645064). Algorithms developed to predict the effect of missense changes on protein structure and function (SIFT, PolyPhen-2, Align-GVGD) all suggest that this variant is likely to be disruptive. This variant disrupts the p.Gly220 amino acid residue in PRF1. Other variant(s) that disrupt this residue have been determined to be pathogenic (PMID: 11565555, 12060139, 15755897, 16374518). This suggests that this residue is clinically significant, and that variants that disrupt this residue are likely to be disease-causing. For these reasons, this variant has been classified as Pathogenic.

Literature cited by the submitters: PubMed 17873118 (cited by 3 submitters); PubMed 21931115 (cited by 3 submitters); PubMed 25577959 (cited by Myriad Genetics, Inc.); PubMed 33746956 (cited by Myriad Genetics, Inc.); PubMed 34368327 (cited by Myriad Genetics, Inc. and Women's Health and Genetics/Laboratory Corporation of America, LabCorp); PubMed 11565555 (cited by Labcorp Genetics (formerly Invitae), Labcorp); PubMed 12060139 (cited by Labcorp Genetics (formerly Invitae), Labcorp); PubMed 15755897 (cited by Labcorp Genetics (formerly Invitae), Labcorp); PubMed 16374518 (cited by Labcorp Genetics (formerly Invitae), Labcorp).

NM_001083116.3(PRF1):c.658G>C (p.Gly220Arg)

Gene: PRF1 (perforin 1; minus strand). Cytogenetic location: 10q22.1.
Variant type: single nucleotide variant.
Coding change: c.658G>C on transcript NM_001083116.3 (MANE Select); coding-DNA position 658, G replaced by C.
Protein change: p.Gly220Arg; replaces glycine 220 with arginine.
Molecular consequence: missense variant.
Genome position (GRCh38, 1-based): chr10:70,599,063, C>G on the plus strand (G>C on the coding strand, the complement: PRF1 is on the minus strand). VCF-style: chr10-70599063-C-G. GRCh37 (hg19) VCF-style: chr10-72358819-C-G.
Other names: c.658G>C, p.Gly220Arg (NM_005041.6); short protein forms G220R.
Identifiers: ClinVar variation 645064 (VCV000645064.13), dbSNP rs776571416, ClinGen allele CA209368217.